The following is an entry in ClinVar:

ClinVar aggregate classification (germline): Uncertain significance (1 of 4 stars; one submission).

Submission:

Labcorp Genetics (formerly Invitae), Labcorp
Classification: Uncertain significance. Last evaluated: 2022-10-27. Review status: criteria provided, single submitter. Criteria: Invitae Variant Classification Sherloc (09022015). Collection method: clinical testing. Allele origin: germline.
Comment: This sequence change replaces aspartic acid, which is acidic and polar, with asparagine, which is neutral and polar, at codon 374 of the CACNA2D4 protein (p.Asp374Asn). In summary, the available evidence is currently insufficient to determine the role of this variant in disease. Therefore, it has been classified as a Variant of Uncertain Significance. Algorithms developed to predict the effect of missense changes on protein structure and function output the following: SIFT: "Tolerated"; PolyPhen-2: "Benign"; Align-GVGD: "Class C0". The asparagine amino acid residue is found in multiple mammalian species, which suggests that this missense change does not adversely affect protein function. This variant has not been reported in the literature in individuals affected with CACNA2D4-related conditions. This variant is not present in population databases (gnomAD no frequency).

NM_172364.5(CACNA2D4):c.1120G>A (p.Asp374Asn)

Gene: CACNA2D4 (calcium voltage-gated channel auxiliary subunit alpha2delta 4; minus strand). Cytogenetic location: 12p13.33.
Variant type: single nucleotide variant.
Coding change: c.1120G>A on transcript NM_172364.5 (MANE Select); coding-DNA position 1120, G replaced by A.
Protein change: p.Asp374Asn; replaces aspartic acid 374 with asparagine.
Molecular consequence: missense variant.
Genome position (GRCh38, 1-based): chr12:1,885,025, C>T on the plus strand (G>A on the coding strand, the complement: CACNA2D4 is on the minus strand). VCF-style: chr12-1885025-C-T. GRCh37 (hg19) VCF-style: chr12-1994191-C-T.
Other names: short protein forms D374N.
Identifiers: ClinVar variation 2810134 (VCV002810134.3), dbSNP rs2497242143, ClinGen allele CA383359139.
Genomic context (GRCh38, chr12:1,885,025, plus strand): 5'-CAGGCCTCATTACAGTGGGCACCTGCTTCAGGATCTGGAAGGCTTCTCTCAGGGCTTGGT[C>T]CACGACCCCCACACCTTTGACCATCAACTCCTCCACCAGCAGTTTGAAATGCTGCCATGG-3'
Protein context (NP_758952.4, residues 364-384): ELMVKGVGVV[Asp374Asn]QALREAFQIL